The following is an entry in ClinVar:

NM_024503.5(HIVEP3):c.4728G>A (p.Thr1576=)

Gene: HIVEP3 (HIVEP zinc finger 3; minus strand). Cytogenetic location: 1p34.2.
Variant type: single nucleotide variant.
Coding change: c.4728G>A on transcript NM_024503.5 (MANE Select); coding-DNA position 4728, G replaced by A.
Protein change: p.Thr1576=; no amino-acid change (threonine 1576 retained).
Molecular consequence: synonymous variant.
Genome position (GRCh38, 1-based): chr1:41,580,070, C>T on the plus strand (G>A on the coding strand, the complement: HIVEP3 is on the minus strand). VCF-style: chr1-41580070-C-T. GRCh37 (hg19) VCF-style: chr1-42045741-C-T.
Other names: c.4728G>A, p.Thr1576= (NM_001127714.3).
Identifiers: ClinVar variation 3055908 (VCV003055908.2), dbSNP rs9943171, ClinGen allele CA797644.

ClinVar aggregate classification (germline): Benign (0 of 4 stars; one submission).

Conditions:
HIVEP3-related disorder. Also called: HIVEP3-related condition.

Allele frequency attached by ClinVar (database versions not stated): ExAC 0.00354; 1000 Genomes Project 0.00938; 1000 Genomes Project 30x 0.01031; gnomAD 0.01145; ESP Exome Variant Server 0.01207; TOPMed 0.01283.
gnomAD v4.1: 3,437 of 1,614,158 alleles (0.21%); highest among the groups gnomAD compares: African/African-American, 4%; 65 homozygotes.

Submission:

PreventionGenetics, part of Exact Sciences
Classification: Benign for HIVEP3-related condition. Last evaluated: 2019-04-24. Review status: no assertion criteria provided. Collection method: clinical testing. Allele origin: germline.
Comment: This variant is classified as benign based on ACMG/AMP sequence variant interpretation guidelines (Richards et al. 2015 PMID: 25741868, with internal and published modifications).